The following is an entry in ClinVar:

NM_024675.4(PALB2):c.2477del (p.Asn826fs)

Gene: PALB2 (partner and localizer of BRCA2; minus strand). Cytogenetic location: 16p12.2.
Variant type: Deletion.
Coding change: c.2477del on transcript NM_024675.4 (MANE Select); coding-DNA position 2477, one base deleted (A; older notation c.2477delA).
Protein change: p.Asn826fs; shifts the reading frame from asparagine 826.
Molecular consequence: frameshift variant. On other transcripts: intron variant (1).
Genome position (GRCh38, 1-based): chr16:23,629,677, T deleted on the plus strand (A on the coding strand, the reverse complement: PALB2 is on the minus strand); the first of 3 consecutive T bases (chr16:23,629,677-23,629,679); deleting any one gives the same sequence. VCF-style (leftmost placement, unchanged base first): chr16-23629676-GT-G. GRCh37 (hg19) VCF-style: chr16-23640997-GT-G.
Other names: c.1592del, p.Asn531fs (NM_001407306.1, NM_001407310.1, NM_001407311.1 and 5 more transcripts); c.689del, p.Asn230fs (NM_001407312.1, NM_001407313.1); c.2417del, p.Asn806fs (NM_001407296.1); c.2477del, p.Asn826fs (NM_001407297.1, NM_001407298.1, NM_001407299.1 and 3 more transcripts); c.49-402del (NM_001407314.1); short protein forms N230fs, N531fs, N806fs, N826fs.
Identifiers: ClinVar variation 2673906 (VCV002673906.1), dbSNP rs2506403717, ClinGen allele CA2695197461.

ClinVar aggregate classification (germline): Pathogenic (1 of 4 stars; one submission).

Conditions:
Familial cancer of breast. Also called: Hereditary breast cancer; BREAST CANCER, FAMILIAL; hereditary breast carcinoma. Identifiers: Orphanet 227535, MedGen C0346153, MONDO:0016419, OMIM 114480. Disease mechanism: loss of function.

Submission:

Myriad Genetics, Inc.
Classification: Pathogenic for Familial cancer of breast. Last evaluated: 2023-11-14. Review status: criteria provided, single submitter. Criteria: Myriad Autosomal Dominant, Autosomal Recessive and X-Linked Classification Criteria (2023). Collection method: clinical testing. Allele origin: unknown.
Comment: This variant is considered pathogenic. This variant creates a frameshift predicted to result in premature protein truncation.